The following is an entry in ClinVar:

ClinVar aggregate classification (germline): Uncertain significance (1 of 4 stars; one submission).

Conditions:
Deficiency of alpha-mannosidase (MANSA). Also called: Alpha-Mannosidosis; Mannosidosis, alpha-, types I and II; LYSOSOMAL ALPHA-D-MANNOSIDASE DEFICIENCY. Identifiers: Orphanet 61, MedGen C0024748, MONDO:0009561, OMIM 248500.

Allele frequency attached by ClinVar (database versions not stated): gnomAD 0.00001; ExAC 0.00002; gnomAD exomes 0.00002; TOPMed 0.00002.
gnomAD v4.1: 18 of 1,614,010 alleles (0.0011%); highest among the groups gnomAD compares: Non-Finnish European, 0.0014%; no homozygotes.

Submission:

Labcorp Genetics (formerly Invitae), Labcorp
Classification: Uncertain significance for Deficiency of alpha-mannosidase. Last evaluated: 2022-07-06. Review status: criteria provided, single submitter. Criteria: Invitae Variant Classification Sherloc (09022015). Collection method: clinical testing. Allele origin: germline.
Comment: This sequence change replaces glutamic acid, which is acidic and polar, with lysine, which is basic and polar, at codon 652 of the MAN2B1 protein (p.Glu652Lys). This variant is present in population databases (rs756680048, gnomAD 0.004%). This variant has not been reported in the literature in individuals affected with MAN2B1-related conditions. ClinVar contains an entry for this variant (Variation ID: 1436451). Algorithms developed to predict the effect of missense changes on protein structure and function output the following: SIFT: "Tolerated"; PolyPhen-2: "Benign"; Align-GVGD: "Class C0". The lysine amino acid residue is found in multiple mammalian species, which suggests that this missense change does not adversely affect protein function. In summary, the available evidence is currently insufficient to determine the role of this variant in disease. Therefore, it has been classified as a Variant of Uncertain Significance.

NM_000528.4(MAN2B1):c.1954G>A (p.Glu652Lys)

Gene: MAN2B1 (mannosidase alpha class 2B member 1; minus strand). Cytogenetic location: 19p13.13.
Variant type: single nucleotide variant.
Coding change: c.1954G>A on transcript NM_000528.4 (MANE Select); coding-DNA position 1954, G replaced by A.
Protein change: p.Glu652Lys; replaces glutamic acid 652 with lysine.
Molecular consequence: missense variant.
Genome position (GRCh38, 1-based): chr19:12,652,245, C>T on the plus strand (G>A on the coding strand, the complement: MAN2B1 is on the minus strand). VCF-style: chr19-12652245-C-T. GRCh37 (hg19) VCF-style: chr19-12763059-C-T.
Other names: c.1951G>A, p.Glu651Lys (NM_001173498.2); short protein forms E652K, E651K.
Identifiers: ClinVar variation 1436451 (VCV001436451.3), dbSNP rs756680048, ClinGen allele CA9226251.
Genomic context (GRCh38, chr19:12,652,245, plus strand): 5'-CAGGCAGCGGTTTCTGTTGGTTGGGTCTGAAGATGTAGGCACCTGAGGCCTGGTCACTTT[C>T]GTTGTCACCTATACTGGCGTTGTACCTGGAGTTGGGGCAGGTGAGAGTCAGGTAAGGGGC-3'
Protein context (NP_000519.2, residues 642-662): FWYNASIGDN[Glu652Lys]SDQASGAYIF